The following is an entry in ClinVar:

NM_206933.4(USH2A):c.14582+2T>C

Gene: USH2A (usherin; minus strand). Cytogenetic location: 1q41.
Variant type: single nucleotide variant.
Coding change: c.14582+2T>C on transcript NM_206933.4 (MANE Select); the canonical splice donor site of the intron after coding-DNA position 14582, T replaced by C.
Molecular consequence: splice donor variant.
Genome position (GRCh38, 1-based): chr1:215,648,526, A>G on the plus strand (T>C on the coding strand, the complement: USH2A is on the minus strand). VCF-style: chr1-215648526-A-G. GRCh37 (hg19) VCF-style: chr1-215821868-A-G.
Identifiers: ClinVar variation 5040005 (VCV005040005.1).

ClinVar aggregate classification (germline): Pathogenic (1 of 4 stars; one submission).

Submission:

CeGaT Center for Human Genetics Tuebingen
Classification: Pathogenic. Last evaluated: 2026-07-01. Review status: criteria provided, single submitter. Criteria: CeGaT Center For Human Genetics Tuebingen Variant Classification Criteria Version 2. Collection method: clinical testing. Allele origin: germline. Affected: yes. Observed: 1 variant allele.
Comment: USH2A: PVS1, PM2